The following is an entry in ClinVar:

NM_024577.4(SH3TC2):c.1338C>A (p.Asp446Glu)

Gene: SH3TC2 (SH3 domain and tetratricopeptide repeats 2; minus strand). Cytogenetic location: 5q32.
Variant type: single nucleotide variant.
Coding change: c.1338C>A on transcript NM_024577.4 (MANE Select); coding-DNA position 1338, C replaced by A.
Protein change: p.Asp446Glu; replaces aspartic acid 446 with glutamic acid.
Molecular consequence: missense variant.
Genome position (GRCh38, 1-based): chr5:149,028,394, G>T on the plus strand (C>A on the coding strand, the complement: SH3TC2 is on the minus strand). VCF-style: chr5-149028394-G-T. GRCh37 (hg19) VCF-style: chr5-148407957-G-T.
Other names: short protein forms D446E.
Identifiers: ClinVar variation 646550 (VCV000646550.8), dbSNP rs1580901388, ClinGen allele CA361669086.

ClinVar aggregate classification (germline): Uncertain significance (1 of 4 stars; one submission).

Conditions:
Charcot-Marie-Tooth disease type 4. Also called: Charcot-Marie-Tooth disease, type IV; Charcot-Marie-Tooth, Type 4. Identifiers: Orphanet 64749, MedGen C4082197, MONDO:0018995.

Submission:

Labcorp Genetics (formerly Invitae), Labcorp
Classification: Uncertain significance for Charcot-Marie-Tooth disease type 4. Last evaluated: 2018-10-22. Review status: criteria provided, single submitter. Criteria: Invitae Variant Classification Sherloc (09022015). Collection method: clinical testing. Allele origin: germline.
Comment: In summary, the available evidence is currently insufficient to determine the role of this variant in disease. Therefore, it has been classified as a Variant of Uncertain Significance. Algorithms developed to predict the effect of missense changes on protein structure and function (SIFT, PolyPhen-2, Align-GVGD) all suggest that this variant is likely to be tolerated, but these predictions have not been confirmed by published functional studies and their clinical significance is uncertain. This variant has not been reported in the literature in individuals with SH3TC2-related disease. This variant is not present in population databases (ExAC no frequency). This sequence change replaces aspartic acid with glutamic acid at codon 446 of the SH3TC2 protein (p.Asp446Glu). The aspartic acid residue is moderately conserved and there is a small physicochemical difference between aspartic acid and glutamic acid.